The following is an entry in ClinVar:

NM_001201543.2(FAM161A):c.1184C>T (p.Ser395Leu)

Gene: FAM161A (FAM161 centrosomal protein A; minus strand). Cytogenetic location: 2p15.
Variant type: single nucleotide variant.
Coding change: c.1184C>T on transcript NM_001201543.2 (MANE Select); coding-DNA position 1184, C replaced by T.
Protein change: p.Ser395Leu; replaces serine 395 with leucine.
Molecular consequence: missense variant. On other transcripts: non-coding transcript variant (1).
Genome position (GRCh38, 1-based): chr2:61,839,820, G>A on the plus strand (C>T on the coding strand, the complement: FAM161A is on the minus strand). VCF-style: chr2-61839820-G-A. GRCh37 (hg19) VCF-style: chr2-62066955-G-A.
Other names: c.1184C>T (NM_001201543.1); c.1184C>T, p.Ser395Leu (NM_032180.3); short protein forms S395L.
Identifiers: ClinVar variation 2731827 (VCV002731827.4), dbSNP rs746458197, ClinGen allele CA1679202.
Genomic context (GRCh38, chr2:61,839,820, plus strand): 5'-GCCTGTTCAGGACACCTGGGGTTCCTGCATCCACAAGCTGACCTACAAGGCAGAGGAGAT[G>A]AGTTCTGTAAATGCTCCTGGGCTCTCAGCTGTGTCCTAAGGTTTCGATAGAGCTCTTCTT-3'
Protein context (NP_001188472.1, residues 385-405): QLRAQEHLQN[Ser395Leu]SPLPCRSACG

ClinVar aggregate classification (germline): Uncertain significance. Review status: criteria provided, multiple submitters, no conflicts (2 of 4 stars). 2 submissions from 2 submitters: Uncertain significance (2). Last evaluated 2024-01-24.

Conditions:
Inborn genetic diseases. Identifiers: MedGen C0950123, MeSH D030342.

Allele frequency attached by ClinVar (database versions not stated): gnomAD exomes below 0.00001; ExAC 0.00001; gnomAD 0.00001; TOPMed 0.00003.
gnomAD v4.1: 9 of 1,614,094 alleles (0.00056%); highest among the groups gnomAD compares: East Asian, 0.0067%; no homozygotes.

Submissions (2):

Ambry Genetics
Classification: Uncertain significance for Inborn genetic diseases. Last evaluated: 2024-01-24. Review status: criteria provided, single submitter. Criteria: Ambry Variant Classification Scheme 2023. Collection method: clinical testing. Allele origin: germline.

Labcorp Genetics (formerly Invitae), Labcorp
Classification: Uncertain significance. Last evaluated: 2023-12-19. Review status: criteria provided, single submitter. Criteria: Invitae Variant Classification Sherloc (09022015). Collection method: clinical testing. Allele origin: germline.
Comment: This sequence change replaces serine, which is neutral and polar, with leucine, which is neutral and non-polar, at codon 395 of the FAM161A protein (p.Ser395Leu). This variant is present in population databases (rs746458197, gnomAD 0.01%). This variant has not been reported in the literature in individuals affected with FAM161A-related conditions. Advanced modeling of protein sequence and biophysical properties (such as structural, functional, and spatial information, amino acid conservation, physicochemical variation, residue mobility, and thermodynamic stability) performed at Invitae indicates that this missense variant is not expected to disrupt FAM161A protein function with a negative predictive value of 80%. In summary, the available evidence is currently insufficient to determine the role of this variant in disease. Therefore, it has been classified as a Variant of Uncertain Significance.